The following is an entry in ClinVar:

ClinVar aggregate classification (germline): Uncertain significance (1 of 4 stars; one submission).

gnomAD v4.1: 3 of 1,599,486 alleles (0.00019%); highest among the groups gnomAD compares: Non-Finnish European, 0.00026%; no homozygotes.

Submission:

GeneDx
Classification: Uncertain significance. Last evaluated: 2016-11-25. Review status: criteria provided, single submitter. Criteria: GeneDx Variant Classification (06012015). Collection method: clinical testing. Allele origin: germline. Affected: yes.
Comment: A variant of uncertain significance has been identified in the DNA2 gene. The G331D variant has not been published as a pathogenic variant, nor has it been reported as a benign variant to our knowledge. The G331D variant was not observed in approximately 6000 individuals of European and African American ancestry in the NHLBI Exome Sequencing Project, indicating it is not a common benign variant in these populations. The G331D variant is a non-conservative amino acid substitution, which is likely to impact secondary protein structure as these residues differ in polarity, charge, size and/or other properties. This substitution occurs at a position that is conserved across species and in silico analysis predicts this variant is probably damaging to the protein structure/function. Therefore, based on the currently available information, it is unclear whether this variant is a pathogenic variant or a rare benign variant.

NM_001080449.3(DNA2):c.992G>A (p.Gly331Asp)

Gene: DNA2 (DNA replication helicase/nuclease 2; minus strand). Cytogenetic location: 10q21.3.
Variant type: single nucleotide variant.
Coding change: c.992G>A on transcript NM_001080449.3 (MANE Select); coding-DNA position 992, G replaced by A.
Protein change: p.Gly331Asp; replaces glycine 331 with aspartic acid.
Molecular consequence: missense variant. On other transcripts: non-coding transcript variant (1).
Genome position (GRCh38, 1-based): chr10:68,446,361, C>T on the plus strand (G>A on the coding strand, the complement: DNA2 is on the minus strand). VCF-style: chr10-68446361-C-T. GRCh37 (hg19) VCF-style: chr10-70206118-C-T.
Other names: short protein forms G331D.
Identifiers: ClinVar variation 373351 (VCV000373351.2), dbSNP rs1057518366, ClinGen allele CA16042728.